The following is an entry in ClinVar:

NM_000548.5(TSC2):c.583A>C (p.Ile195Leu)

Gene: TSC2 (TSC complex subunit 2; plus strand). Cytogenetic location: 16p13.3.
Variant type: single nucleotide variant.
Coding change: c.583A>C on transcript NM_000548.5 (MANE Select); coding-DNA position 583, A replaced by C.
Protein change: p.Ile195Leu; replaces isoleucine 195 with leucine.
Molecular consequence: missense variant. On other transcripts: 5 prime UTR variant (13), non-coding transcript variant (5), intron variant (6).
Genome position (GRCh38, 1-based): chr16:2,055,503, A>C. VCF-style: chr16-2055503-A-C. GRCh37 (hg19) VCF-style: chr16-2105504-A-C.
Other names: c.583A>C, p.Ile195Leu (NM_001077183.3, NM_001114382.3, NM_001363528.2 and 8 more transcripts); c.472A>C, p.Ile158Leu (NM_001318827.2, NM_001406670.1, NM_001406678.1); c.436A>C, p.Ile146Leu (NM_001318829.2, NM_001406675.1, NM_001406676.1 and 1 more transcripts); c.616A>C, p.Ile206Leu (NM_001318832.2); c.673A>C, p.Ile225Leu (NM_001406667.1, NM_001406668.1); c.526A>C, p.Ile176Leu (NM_001406677.1); c.-234A>C (NM_001406680.1, NM_001406683.1, NM_001406687.1); c.121A>C, p.Ile41Leu (NM_001406681.1); and 6 more; short protein forms I146L, I158L, I176L, I195L, I206L, I225L, I41L.
Identifiers: ClinVar variation 4866138 (VCV004866138.1).

ClinVar aggregate classification (germline): Uncertain significance (1 of 4 stars; one submission).

Conditions:
Hereditary cancer-predisposing syndrome. Also called: Neoplastic Syndromes, Hereditary; Tumor predisposition; Hereditary Cancer Syndrome; Hereditary neoplastic syndrome. Identifiers: Orphanet 140162, MedGen C0027672, MeSH D009386, MONDO:0015356.

Submission:

Ambry Genetics
Classification: Uncertain significance for Hereditary cancer-predisposing syndrome. Last evaluated: 2026-06-09. Review status: criteria provided, single submitter. Criteria: Ambry Variant Classification Scheme 2023. Collection method: clinical testing. Allele origin: germline.
Comment: The p.I195L variant (also known as c.583A>C), located in coding exon 5 of the TSC2 gene, results from an A to C substitution at nucleotide position 583. The isoleucine at codon 195 is replaced by leucine, an amino acid with highly similar properties. This amino acid position is not well conserved in available vertebrate species. In addition, this alteration is predicted to be tolerated by in silico analysis. Based on the available evidence, the clinical significance of this variant remains unclear.